The following is an entry in ClinVar:

ClinVar aggregate classification (germline): Uncertain significance (1 of 4 stars; one submission).

Allele frequency attached by ClinVar (database versions not stated): gnomAD exomes 0.00001.
gnomAD v4.1: 1 of 1,204,702 alleles (0.000083%); no homozygotes.

Submission:

GeneDx
Classification: Uncertain significance. Last evaluated: 2016-10-19. Review status: criteria provided, single submitter. Criteria: GeneDx Variant Classification (06012015). Collection method: clinical testing. Allele origin: germline. Affected: yes.
Comment: The c.2035+5G>C variant in the ARHGEF6 gene has not been reported previously as a pathogenic variant nor as a benign variant, to our knowledge. This variant is predicted to damage or destroy the splice donor site in intron 19, and is expected to cause abnormal gene splicing. However, in the absence of RNA/functional studies, the actual effect of this sequence change in this individual is unknown. The c.2035+5G>C variant was not observed in approximately 6500 individuals of European and African American ancestry in the NHLBI Exome Sequencing Project, indicating it is not a common benign variant in these populations. We interpret c.2035+5G>C as a variant of uncertain significance.

NM_004840.3(ARHGEF6):c.2035+5G>C

Gene: ARHGEF6 (Rac/Cdc42 guanine nucleotide exchange factor 6; minus strand). Cytogenetic location: Xq26.3.
Variant type: single nucleotide variant.
Coding change: c.2035+5G>C on transcript NM_004840.3 (MANE Select); 5 bases into the intron after coding-DNA position 2035, G replaced by C.
Molecular consequence: intron variant.
Genome position (GRCh38, 1-based): chrX:136,675,002, C>G on the plus strand (G>C on the coding strand, the complement: ARHGEF6 is on the minus strand). VCF-style: chrX-136675002-C-G. GRCh37 (hg19) VCF-style: chrX-135757161-C-G.
Other names: c.1573+5G>C (NM_001306177.2).
Identifiers: ClinVar variation 390188 (VCV000390188.2), dbSNP rs1057523674, ClinGen allele CA16608713.
Genomic context (GRCh38, chrX:136,675,002, plus strand): 5'-TAAAAGACACTAAACAGTAAGGAAGAAACGTCACTCACTAGAGAAAGTAGTTTGGGGGAA[C>G]CTACTTGAGCCATGGCCTTGTTGAAAATTTGCGCTGGTGCAGTAGGCTTCGATCACTTTA-3'